The following is an entry in ClinVar:

ClinVar aggregate classification (germline): Benign (1 of 4 stars; one submission).

Allele frequency attached by ClinVar (database versions not stated): 1000 Genomes Project 30x 0.41115; 1000 Genomes Project 0.41234; gnomAD 0.43136 and 0.43497; TOPMed 0.43248.
gnomAD v4.1: 66,206 of 152,030 alleles (44%); highest among the groups gnomAD compares: Middle Eastern, 57%; 15,168 homozygotes.

Submission:

GeneDx
Classification: Benign. Last evaluated: 2018-06-19. Review status: criteria provided, single submitter. Criteria: GeneDx Variant Classification (06012015). Collection method: clinical testing. Allele origin: germline. Affected: yes.
Comment: This variant is considered likely benign or benign based on one or more of the following criteria: it is a conservative change, it occurs at a poorly conserved position in the protein, it is predicted to be benign by multiple in silico algorithms, and/or has population frequency not consistent with disease.

NM_024753.5(TTC21B):c.2462-304A>G

Gene: TTC21B (tetratricopeptide repeat domain 21B; minus strand). Cytogenetic location: 2q24.3.
Variant type: single nucleotide variant.
Coding change: c.2462-304A>G on transcript NM_024753.5 (MANE Select); 304 bases into the intron before coding-DNA position 2462, A replaced by G.
Molecular consequence: intron variant.
Genome position (GRCh38, 1-based): chr2:165,908,088, T>C on the plus strand (A>G on the coding strand, the complement: TTC21B is on the minus strand). VCF-style: chr2-165908088-T-C. GRCh37 (hg19) VCF-style: chr2-166764598-T-C.
Identifiers: ClinVar variation 667578 (VCV000667578.1), dbSNP rs11897687, ClinGen allele CA15158685.
Genomic context (GRCh38, chr2:165,908,088, plus strand): 5'-CATATATTAGGAGATAACAATTTAACACCACAATAATTTCCATTTTTATTCTTAAGTGTA[T>C]AAAAATTTGTTTACTGAAGTCATTAGAAGATAGAGTAGTTGCTATATGCAATTAAGAAGA-3'